The following is an entry in ClinVar:

ClinVar aggregate classification (germline): Uncertain significance (1 of 4 stars; one submission).

Allele frequency attached by ClinVar (database versions not stated): TOPMed below 0.00001; gnomAD exomes 0.00001.
gnomAD v4.1: 3 of 1,614,016 alleles (0.00019%); highest among the groups gnomAD compares: Admixed American, 0.005%; no homozygotes.

Submission:

Labcorp Genetics (formerly Invitae), Labcorp
Classification: Uncertain significance. Last evaluated: 2022-09-14. Review status: criteria provided, single submitter. Criteria: Invitae Variant Classification Sherloc (09022015). Collection method: clinical testing. Allele origin: germline.
Comment: In summary, the available evidence is currently insufficient to determine the role of this variant in disease. Therefore, it has been classified as a Variant of Uncertain Significance. Algorithms developed to predict the effect of missense changes on protein structure and function output the following: SIFT: "Deleterious"; PolyPhen-2: "Benign"; Align-GVGD: "Class C55". The lysine amino acid residue is found in multiple mammalian species, which suggests that this missense change does not adversely affect protein function. This variant has not been reported in the literature in individuals affected with VCAN-related conditions. This variant is present in population databases (no rsID available, gnomAD 0.009%). This sequence change replaces glutamic acid, which is acidic and polar, with lysine, which is basic and polar, at codon 1597 of the VCAN protein (p.Glu1597Lys).

NM_004385.5(VCAN):c.4789G>A (p.Glu1597Lys)

Genes: VCAN (versican; plus strand), VCAN-AS1 (VCAN antisense RNA 1; minus strand). Cytogenetic location: 5q14.3.
Variant type: single nucleotide variant.
Coding change: c.4789G>A on transcript NM_004385.5 (MANE Select); coding-DNA position 4789, G replaced by A.
Protein change: p.Glu1597Lys; replaces glutamic acid 1597 with lysine.
Molecular consequence: missense variant. On other transcripts: intron variant (2).
Genome position (GRCh38, 1-based): chr5:83,537,792, G>A. VCF-style: chr5-83537792-G-A. GRCh37 (hg19) VCF-style: chr5-82833611-G-A.
Other names: c.1828G>A, p.Glu610Lys (NM_001164097.2); c.4004-7745G>A (NM_001164098.2); c.1043-7745G>A (NM_001126336.3); short protein forms E610K, E1597K.
Identifiers: ClinVar variation 1945869 (VCV001945869.5), dbSNP rs1419050270, ClinGen allele CA360309001.